The following is an entry in ClinVar:

ClinVar aggregate classification (germline): Benign. Review status: criteria provided, multiple submitters, no conflicts (2 of 4 stars). 4 submissions from 4 submitters: Benign (4). Last evaluated 2026-01-28.

Conditions:
Knobloch syndrome (KNO). Also called: Myopia retinal detachment encephalocele; RETINAL DETACHMENT AND OCCIPITAL ENCEPHALOCELE. Identifiers: Orphanet 1571, MedGen C1849409, MONDO:0800166.

Allele frequency attached by ClinVar (database versions not stated): ESP Exome Variant Server 0.00754; 1000 Genomes Project 0.00779; TOPMed 0.00829; 1000 Genomes Project 30x 0.00874.
gnomAD v4.1: 2,318 of 1,607,030 alleles (0.14%); highest among the groups gnomAD compares: African/African-American, 2.7%; 29 homozygotes.

Submissions (4):

Labcorp Genetics (formerly Invitae), Labcorp
Classification: Benign. Last evaluated: 2026-01-28. Review status: criteria provided, single submitter. Criteria: Invitae Variant Classification Sherloc (09022015). Collection method: clinical testing. Allele origin: germline.

Illumina Laboratory Services, Illumina
Classification: Benign for Knobloch syndrome 1. Last evaluated: 2018-01-13. Review status: criteria provided, single submitter. Criteria: ICSL Variant Classification Criteria 13 December 2019. Collection method: clinical testing. Allele origin: germline.
Comment: This variant was observed in the ICSL laboratory as part of a predisposition screen in an ostensibly healthy population. It had not been previously curated by ICSL or reported in the Human Gene Mutation Database (HGMD: prior to June 1st, 2018), and was therefore a candidate for classification through an automated scoring system. Utilizing variant allele frequency, disease prevalence and penetrance estimates, and inheritance mode, an automated score was calculated to assess if this variant is too frequent to cause the disease. Based on the score and internal cut-off values, a variant classified as benign is not then subjected to further curation. The score for this variant resulted in a classification of benign for this disease.

Athena Diagnostics
Classification: Benign. Last evaluated: 2016-09-19. Review status: criteria provided, single submitter. Criteria: Athena Diagnostics Criteria. Collection method: clinical testing. Allele origin: germline.

Breakthrough Genomics
Classification: Benign. Review status: criteria provided, single submitter. Criteria: ACMG Guidelines, 2015. Collection method: not provided. Allele origin: germline. Inheritance: Autosomal recessive inheritance. Affected: yes.

NM_001379500.1(COL18A1):c.2782G>A (p.Gly928Arg)

Genes: COL18A1 (collagen type XVIII alpha 1 chain; plus strand), SLC19A1 (solute carrier family 19 member 1; minus strand). Cytogenetic location: 21q22.3.
Variant type: single nucleotide variant.
Coding change: c.2782G>A on transcript NM_001379500.1 (MANE Select); coding-DNA position 2782, G replaced by A.
Protein change: p.Gly928Arg; replaces glycine 928 with arginine.
Molecular consequence: missense variant.
Genome position (GRCh38, 1-based): chr21:45,504,470, G>A. VCF-style: chr21-45504470-G-A. GRCh37 (hg19) VCF-style: chr21-46924384-G-A.
Other names: NM_130445.2:c.2782G>A; c.3322G>A, p.Gly1108Arg (NM_030582.4); c.4027G>A, p.Gly1343Arg (NM_130444.3); short protein forms G1108R, G1343R.
Identifiers: ClinVar variation 447120 (VCV000447120.13), dbSNP rs187721798, ClinGen allele CA10067465.
Genomic context (GRCh38, chr21:45,504,470, plus strand): 5'-CCACAGGGGGAGAAGGGAGACCGAGGTGATGCAGGACAGAAAGGCGAAAGGGGGGAGCCC[G>A]GGGGCGGCGGTTTCTTCGGCTCCAGCCTGCCCGGCCCCCCCGGCCCCCCAGGCCCCCCAG-3'
Protein context (NP_001366429.1, residues 918-938): AGQKGERGEP[Gly928Arg]GGGFFGSSLP